The following is an entry in ClinVar:

ClinVar aggregate classification (germline): Pathogenic. Review status: criteria provided, multiple submitters, no conflicts (2 of 4 stars). 5 submissions from 5 submitters: Pathogenic (4). 1 of the submissions does not count toward it. Last evaluated 2025-04-14.

Conditions:
Galactosemia. Also called: Galactose intolerance. Identifiers: Orphanet 352, MedGen C0016952, MONDO:0018116, HP:0004919. Disease mechanism: loss of function.
Deficiency of UDPglucose-hexose-1-phosphate uridylyltransferase. Also called: GALACTOSE-1-PHOSPHATE URIDYLYLTRANSFERASE DEFICIENCY; Transferase Deficiency Galactosemia; GALACTOSEMIA I; GALT deficiency; Galactosemia, classic. Identifiers: Orphanet 352, Orphanet 79239, MedGen C0268151, MONDO:0009258, OMIM 230400.

Submissions (5):

Natera, Inc.
Classification: Pathogenic for Galactosemia. Last evaluated: 2025-04-14. Review status: criteria provided, single submitter. Criteria: Natera Variant Classification Schema (03/2026). Collection method: clinical testing. Allele origin: germline.
Comment: The c.18delC variant in GALT is a frameshift variant predicted to shift the reading frame beginning at codon 7 and leads to a stop codon 43 codons downstream. This variant is expected to result in nonsense mediated decay, truncation, or a dysfunctional protein product. This variant is rare in the general population with a frequency below the threshold expected for the associated phenotype(s). This variant has been observed in one or more individuals affected with the associated recessive disease, as either homozygous or compound heterozygous with a second variant (PMID: 15775761). Given the available evidence, this variant is classified as Pathogenic.

Mayo Clinic Laboratories, Mayo Clinic
Classification: Pathogenic. Last evaluated: 2025-01-06. Review status: criteria provided, single submitter. Criteria: ACMG Guidelines, 2015. Collection method: clinical testing. Allele origin: germline. Observed: 1 variant allele.
Comment: PP1, PM2_supporting, PVS1

Baylor Genetics
Classification: Pathogenic for Deficiency of UDPglucose-hexose-1-phosphate uridylyltransferase. Last evaluated: 2023-10-24. Review status: criteria provided, single submitter. Criteria: ACMG Guidelines, 2015. Collection method: clinical testing. Allele origin: unknown.

Labcorp Genetics (formerly Invitae), Labcorp
Classification: Pathogenic for Deficiency of UDPglucose-hexose-1-phosphate uridylyltransferase. Last evaluated: 2022-10-20. Review status: criteria provided, single submitter. Criteria: Invitae Variant Classification Sherloc (09022015). Collection method: clinical testing. Allele origin: germline.
Comment: This sequence change creates a premature translational stop signal (p.Asp7Ilefs*43) in the GALT gene. It is expected to result in an absent or disrupted protein product. Loss-of-function variants in GALT are known to be pathogenic (PMID: 22944367). This variant is not present in population databases (gnomAD no frequency). This premature translational stop signal has been observed in individual(s) with clinical features of galactose-1-phosphate uridylyltransferase deficiency (PMID: 15775761). This variant is also known as T6fsdelC. ClinVar contains an entry for this variant (Variation ID: 25113). For these reasons, this variant has been classified as Pathogenic.

Counsyl
Classification: Likely pathogenic for Deficiency of UDPglucose-hexose-1-phosphate uridylyltransferase. Last evaluated: 2016-03-07. Review status: no assertion criteria provided. Collection method: clinical testing. Allele origin: unknown. Not counted in ClinVar's aggregate classification.

Literature cited by the submitters: PubMed 15775761 (cited by 4 submitters); PubMed 22944367 (cited by Labcorp Genetics (formerly Invitae), Labcorp).

NM_000155.4(GALT):c.18del (p.Asp7fs)

Gene: GALT (galactose-1-phosphate uridylyltransferase; plus strand). Cytogenetic location: 9p13.3.
Variant type: Deletion.
Coding change: c.18del on transcript NM_000155.4 (MANE Select); coding-DNA position 18, one base deleted (C; older notation c.18delC).
Protein change: p.Asp7fs; shifts the reading frame from aspartic acid 7.
Molecular consequence: frameshift variant. On other transcripts: 5 prime UTR variant (1).
Genome position (GRCh38, 1-based): chr9:34,646,722, C deleted; the last of 2 consecutive C bases (chr9:34,646,721-34,646,722); deleting either gives the same sequence. VCF-style (leftmost placement, unchanged base first): chr9-34646720-AC-A. GRCh37 (hg19) VCF-style: chr9-34646717-AC-A.
Other names: p.Asp7Ilefs*43; c.-185del (NM_001258332.2); short protein forms D7fs.
Identifiers: ClinVar variation 25113 (VCV000025113.12), dbSNP rs111033638, ClinGen allele CA259308.